The following is an entry in ClinVar:

NM_032776.3(JMJD1C):c.5246C>A (p.Pro1749Gln)

Gene: JMJD1C (jumonji domain containing 1C; minus strand). Cytogenetic location: 10q21.3.
Variant type: single nucleotide variant.
Coding change: c.5246C>A on transcript NM_032776.3 (MANE Select); coding-DNA position 5246, C replaced by A.
Protein change: p.Pro1749Gln; replaces proline 1749 with glutamine.
Molecular consequence: missense variant.
Genome position (GRCh38, 1-based): chr10:63,200,506, G>T on the plus strand (C>A on the coding strand, the complement: JMJD1C is on the minus strand). VCF-style: chr10-63200506-G-T. GRCh37 (hg19) VCF-style: chr10-64960266-G-T.
Other names: c.4700C>A, p.Pro1567Gln (NM_001282948.2, NM_001318154.2); c.4382C>A, p.Pro1461Gln (NM_001318153.2); c.5132C>A, p.Pro1711Gln (NM_001322252.2); c.4589C>A, p.Pro1530Gln (NM_001322254.2, NM_001322258.2); short protein forms P1567Q, P1530Q, P1461Q, P1711Q, P1749Q.
Identifiers: ClinVar variation 2178588 (VCV002178588.4), dbSNP rs2492566707, ClinGen allele CA377032841.
Genomic context (GRCh38, chr10:63,200,506, plus strand): 5'-CTTTTTTCCCAATCTCATATTTTCACTTACCGTCTAAAGTAGTAAAATCTACAAAATACT[G>T]GTGAGTGAGCTGGTTCTTCTCCTTTTTTACTGCGAATAAGTCTACATTCTCGACACTTTT-3'
Protein context (NP_116165.1, residues 1739-1759): SKKGEEPAHS[Pro1749Gln]VFCRFYYFRR

ClinVar aggregate classification (germline): Uncertain significance (1 of 4 stars; one submission).

Conditions:
Early Myoclonic Encephalopathy. Identifiers: MedGen C0270855.

Submission:

Labcorp Genetics (formerly Invitae), Labcorp
Classification: Uncertain significance for Early Myoclonic Encephalopathy. Last evaluated: 2022-10-01. Review status: criteria provided, single submitter. Criteria: Invitae Variant Classification Sherloc (09022015). Collection method: clinical testing. Allele origin: germline.
Comment: In summary, the available evidence is currently insufficient to determine the role of this variant in disease. Therefore, it has been classified as a Variant of Uncertain Significance. Advanced modeling of protein sequence and biophysical properties (such as structural, functional, and spatial information, amino acid conservation, physicochemical variation, residue mobility, and thermodynamic stability) performed at Invitae indicates that this missense variant is expected to disrupt JMJD1C protein function. This variant has not been reported in the literature in individuals affected with JMJD1C-related conditions. This variant is not present in population databases (gnomAD no frequency). This sequence change replaces proline, which is neutral and non-polar, with glutamine, which is neutral and polar, at codon 1749 of the JMJD1C protein (p.Pro1749Gln).